The following is an entry in ClinVar:

NM_033305.3(VPS13A):c.9449A>G (p.Asn3150Ser)

Gene: VPS13A (vacuolar protein sorting 13 homolog A; plus strand). Cytogenetic location: 9q21.2.
Variant type: single nucleotide variant.
Coding change: c.9449A>G on transcript NM_033305.3 (MANE Select); coding-DNA position 9449, A replaced by G.
Protein change: p.Asn3150Ser; replaces asparagine 3150 with serine.
Molecular consequence: missense variant.
Genome position (GRCh38, 1-based): chr9:77,407,582, A>G. VCF-style: chr9-77407582-A-G. GRCh37 (hg19) VCF-style: chr9-80022498-A-G.
Other names: c.9332A>G, p.Asn3111Ser (NM_001018037.2); short protein forms N3111S, N3150S.
Identifiers: ClinVar variation 2602428 (VCV002602428.6), dbSNP rs545828430, ClinGen allele CA5094061.

ClinVar aggregate classification (germline): Conflicting classifications of pathogenicity. Review status: criteria provided, conflicting classifications (1 of 4 stars). 2 submissions from 2 submitters: Uncertain significance (1); Likely benign (1). Last evaluated 2026-01-01.

Conditions:
Inborn genetic diseases. Identifiers: MedGen C0950123, MeSH D030342.

Allele frequency attached by ClinVar (database versions not stated): gnomAD 0.00002; gnomAD exomes 0.00005; ExAC 0.00008; 1000 Genomes Project 30x 0.00016; 1000 Genomes Project 0.00020.
gnomAD v4.1: 78 of 1,612,932 alleles (0.0048%); highest among the groups gnomAD compares: South Asian, 0.082%; no homozygotes.

Submissions (2):

CeGaT Center for Human Genetics Tuebingen
Classification: Uncertain significance. Last evaluated: 2026-01-01. Review status: criteria provided, single submitter. Criteria: CeGaT Center For Human Genetics Tuebingen Variant Classification Criteria Version 2. Collection method: clinical testing. Allele origin: germline. Affected: yes. Observed: 1 variant allele.
Comment: VPS13A: PM2

Ambry Genetics
Classification: Likely benign for Inborn genetic diseases. Last evaluated: 2023-06-26. Review status: criteria provided, single submitter. Criteria: Ambry Variant Classification Scheme 2023. Collection method: clinical testing. Allele origin: germline.